The following is an entry in ClinVar:

ClinVar aggregate classification (germline): Likely pathogenic (0 of 4 stars; one submission).

Submission:

Institute of Anatomy and Cell Biology, Medical Faculty, University Of Bonn
Classification: Likely pathogenic. Last evaluated: 2023-08-16. Review status: no assertion criteria provided. Collection method: clinical testing. Allele origin: inherited. Affected: yes.
Comment: This variant was observed in compound heterozygosity with variant c.7224_7226del

NM_001407.3(CELSR3):c.8480C>A (p.Thr2827Asn)

Gene: CELSR3 (cadherin EGF LAG seven-pass G-type receptor 3; minus strand). Cytogenetic location: 3p21.31.
Variant type: single nucleotide variant.
Coding change: c.8480C>A on transcript NM_001407.3 (MANE Select); coding-DNA position 8480, C replaced by A.
Protein change: p.Thr2827Asn; replaces threonine 2827 with asparagine.
Molecular consequence: missense variant.
Genome position (GRCh38, 1-based): chr3:48,642,811, G>T on the plus strand (C>A on the coding strand, the complement: CELSR3 is on the minus strand). VCF-style: chr3-48642811-G-T. GRCh37 (hg19) VCF-style: chr3-48680244-G-T.
Other names: short protein forms T2827N.
Identifiers: ClinVar variation 2672074 (VCV002672074.1), dbSNP rs2531574631, ClinGen allele CA352710556.